The following is an entry in ClinVar:

ClinVar aggregate classification (germline): Uncertain significance (1 of 4 stars; one submission).

Conditions:
Cardiovascular phenotype. Identifiers: MedGen CN230736.

Allele frequency attached by ClinVar (database versions not stated): gnomAD exomes below 0.00001; gnomAD 0.00001; TOPMed 0.00002.
gnomAD v4.1: 2 of 1,607,116 alleles (0.00012%); highest among the groups gnomAD compares: African/African-American, 0.0027%; no homozygotes.

Submission:

Ambry Genetics
Classification: Uncertain significance for Cardiovascular phenotype. Last evaluated: 2021-01-25. Review status: criteria provided, single submitter. Criteria: Ambry Variant Classification Scheme 2023. Collection method: clinical testing. Allele origin: germline.
Comment: The c.664T>C variant (also known as p.L222L), located in coding exon 9 of the TXNRD2 gene, results from a T to C substitution at nucleotide position 664. This nucleotide substitution does not change the leucine at codon 222. This nucleotide position is well conserved in available vertebrate species. In silico splice site analysis for this alteration is inconclusive. Since supporting evidence is limited at this time, the clinical significance of this alteration remains unclear.

NM_006440.5(TXNRD2):c.664T>C (p.Leu222=)

Gene: TXNRD2 (thioredoxin reductase 2; minus strand). Cytogenetic location: 22q11.21.
Variant type: single nucleotide variant.
Coding change: c.664T>C on transcript NM_006440.5 (MANE Select); coding-DNA position 664, T replaced by C.
Protein change: p.Leu222=; no amino-acid change (leucine 222 retained).
Molecular consequence: synonymous variant. On other transcripts: non-coding transcript variant (1).
Genome position (GRCh38, 1-based): chr22:19,899,067, A>G on the plus strand (T>C on the coding strand, the complement: TXNRD2 is on the minus strand). VCF-style: chr22-19899067-A-G. GRCh37 (hg19) VCF-style: chr22-19886590-A-G.
Other names: c.664T>C, p.Leu222= (NM_001282512.3); c.661T>C, p.Leu221= (NM_001352300.2); c.574T>C, p.Leu192= (NM_001352301.2); c.376T>C, p.Leu126= (NM_001352302.2); c.568T>C, p.Leu190= (NM_001352303.2).
Identifiers: ClinVar variation 1754690 (VCV001754690.2), dbSNP rs978297157, ClinGen allele CA322100228.
Genomic context (GRCh38, chr22:19,899,067, plus strand): 5'-TCCAGTTCCCAGGACGGCCACCTGCACGCTTGCAAAGGATACAGCTGGCCCCGACCACCA[A>G]CCTGTTAGAGAAACAGAGAGAGAGCACATGTAAAGCTGAGGCCCTTATTGACCAAGTGCA-3'
Protein context (NP_006431.2, residues 212-232): FWLKESPGKT[Leu222=]VVGASYVALE